The following is an entry in ClinVar:

NM_000252.3(MTM1):c.860C>A (p.Ala287Asp)

Gene: MTM1 (myotubularin 1; plus strand). Cytogenetic location: Xq28.
Variant type: single nucleotide variant.
Coding change: c.860C>A on transcript NM_000252.3 (MANE Select); coding-DNA position 860, C replaced by A.
Protein change: p.Ala287Asp; replaces alanine 287 with aspartic acid.
Molecular consequence: missense variant.
Genome position (GRCh38, 1-based): chrX:150,645,864, C>A. VCF-style: chrX-150645864-C-A. GRCh37 (hg19) VCF-style: chrX-149814337-C-A.
Other names: c.860C>A, p.Ala287Asp (NM_001376906.1, NM_001376908.1); c.749C>A, p.Ala250Asp (NM_001376907.1); short protein forms A287D, A250D.
Identifiers: ClinVar variation 3875443 (VCV003875443.2).

ClinVar aggregate classification (germline): Likely pathogenic (1 of 4 stars; one submission).

Conditions:
Inborn genetic diseases. Identifiers: MedGen C0950123, MeSH D030342.

Submission:

Ambry Genetics
Classification: Likely pathogenic for Inborn genetic diseases. Last evaluated: 2025-04-23. Review status: criteria provided, single submitter. Criteria: Ambry Variant Classification Scheme 2023. Collection method: clinical testing. Allele origin: germline.
Comment: The c.860C>A (p.A287D) alteration is located in exon 9 (coding exon 8) of the MTM1 gene. This alteration results from a C to A substitution at nucleotide position 860, causing the alanine (A) at amino acid position 287 to be replaced by an aspartic acid (D). This variant was not reported in population-based cohorts in the Genome Aggregation Database (gnomAD). This amino acid position is highly conserved in available vertebrate species. This alteration is predicted to be deleterious by in silico analysis. Based on the available evidence, this alteration is classified as likely pathogenic.